The following is an entry in ClinVar:

NM_001999.4(FBN2):c.5422+6T>G

Gene: FBN2 (fibrillin 2; minus strand). Cytogenetic location: 5q23.3.
Variant type: single nucleotide variant.
Coding change: c.5422+6T>G on transcript NM_001999.4 (MANE Select); 6 bases into the intron after coding-DNA position 5422, T replaced by G.
Molecular consequence: intron variant.
Genome position (GRCh38, 1-based): chr5:128,307,129, A>C on the plus strand (T>G on the coding strand, the complement: FBN2 is on the minus strand). VCF-style: chr5-128307129-A-C. GRCh37 (hg19) VCF-style: chr5-127642821-A-C.
Identifiers: ClinVar variation 1014880 (VCV001014880.8), dbSNP rs1000499022, ClinGen allele CA126985420.

ClinVar aggregate classification (germline): Uncertain significance. Review status: criteria provided, multiple submitters, no conflicts (2 of 4 stars). 2 submissions from 2 submitters: Uncertain significance (2). Last evaluated 2025-04-14.

Conditions:
Congenital contractural arachnodactyly (CCA). Also called: BEALS SYNDROME; Beals-Hecht syndrome; Arthrogryposis, distal, type 9. Identifiers: Orphanet 115, MedGen C0220668, MONDO:0007363, OMIM 121050.

Allele frequency attached by ClinVar (database versions not stated): gnomAD exomes below 0.00001; TOPMed 0.00004; gnomAD 0.00005 and 0.00006.
gnomAD v4.1: 9 of 1,588,034 alleles (0.00057%); highest among the groups gnomAD compares: African/African-American, 0.012%; no homozygotes.

Submissions (2):

Labcorp Genetics (formerly Invitae), Labcorp
Classification: Uncertain significance for Congenital contractural arachnodactyly. Last evaluated: 2025-04-14. Review status: criteria provided, single submitter. Criteria: Invitae Variant Classification Sherloc (09022015). Collection method: clinical testing. Allele origin: germline.
Comment: This sequence change falls in intron 42 of the FBN2 gene. It does not directly change the encoded amino acid sequence of the FBN2 protein. It affects a nucleotide within the consensus splice site. This variant is present in population databases (no rsID available, gnomAD 0.02%). This variant has not been reported in the literature in individuals affected with FBN2-related conditions. ClinVar contains an entry for this variant (Variation ID: 1014880). Variants that disrupt the consensus splice site are a relatively common cause of aberrant splicing (PMID: 17576681, 9536098). Algorithms developed to predict the effect of sequence changes on RNA splicing suggest that this variant may disrupt the consensus splice site. In summary, the available evidence is currently insufficient to determine the role of this variant in disease. Therefore, it has been classified as a Variant of Uncertain Significance.

GeneDx
Classification: Uncertain significance. Last evaluated: 2024-02-28. Review status: criteria provided, single submitter. Criteria: GeneDx Variant Classification Process June 2021. Collection method: clinical testing. Allele origin: germline. Affected: yes.
Comment: Has not been previously published as pathogenic or benign to our knowledge; Not observed at significant frequency in large population cohorts (gnomAD); In silico analysis supports that this variant does not alter splicing

Literature cited by the submitters: PubMed 17576681 (cited by Labcorp Genetics (formerly Invitae), Labcorp); PubMed 9536098 (cited by Labcorp Genetics (formerly Invitae), Labcorp).